The following is an entry in ClinVar:

NM_006363.6(SEC23B):c.366+1G>A

Gene: SEC23B (SEC23 homolog B, COPII component; plus strand). Cytogenetic location: 20p11.23.
Variant type: single nucleotide variant.
Coding change: c.366+1G>A on transcript NM_006363.6 (MANE Select); the canonical splice donor site of the intron after coding-DNA position 366, G replaced by A.
Molecular consequence: splice donor variant.
Genome position (GRCh38, 1-based): chr20:18,515,737, G>A. VCF-style: chr20-18515737-G-A. GRCh37 (hg19) VCF-style: chr20-18496381-G-A.
Other names: c.366+1G>A (NM_032986.5, NM_001172745.3, NM_032985.6 and 1 more transcripts).
Identifiers: ClinVar variation 2018584 (VCV002018584.4), dbSNP rs2517457847, ClinGen allele CA408357335.

ClinVar aggregate classification (germline): Likely pathogenic (1 of 4 stars; one submission).

Conditions:
Congenital dyserythropoietic anemia, type II (CDAN2). Also called: DYSERYTHROPOIETIC ANEMIA, HEMPAS TYPE. Identifiers: Orphanet 98873, MedGen C1306589, MONDO:0009134, OMIM 224100.
Cowden syndrome 7 (CWS7). Identifiers: Orphanet 201, MedGen C4225179, MONDO:0014802, OMIM 616858.

Submission:

Labcorp Genetics (formerly Invitae), Labcorp
Classification: Likely pathogenic for Congenital dyserythropoietic anemia, type II; Cowden syndrome 7. Last evaluated: 2022-07-21. Review status: criteria provided, single submitter. Criteria: Invitae Variant Classification Sherloc (09022015). Collection method: clinical testing. Allele origin: germline.
Comment: In summary, the currently available evidence indicates that the variant is pathogenic, but additional data are needed to prove that conclusively. Therefore, this variant has been classified as Likely Pathogenic. Algorithms developed to predict the effect of sequence changes on RNA splicing suggest that this variant may disrupt the consensus splice site. This variant has not been reported in the literature in individuals affected with SEC23B-related conditions. This variant is not present in population databases (gnomAD no frequency). This sequence change affects a donor splice site in intron 4 of the SEC23B gene. It is expected to disrupt RNA splicing. Variants that disrupt the donor or acceptor splice site typically lead to a loss of protein function (PMID: 16199547), and loss-of-function variants in SEC23B are known to be pathogenic (PMID: 19561605, 25044164).

Literature cited by the submitters: PubMed 16199547; PubMed 19561605; PubMed 25044164.